The following is an entry in ClinVar:

ClinVar aggregate classification (germline): Likely benign (1 of 4 stars; one submission).

Conditions:
TNNT3-related disorder. Also called: TNNT3-related condition.

gnomAD v4.1: 20 of 1,613,552 alleles (0.0012%); highest among the groups gnomAD compares: Non-Finnish European, 0.0016%; no homozygotes.

Submission:

PreventionGenetics, part of Exact Sciences
Classification: Likely benign for TNNT3-related condition. Last evaluated: 2025-02-10. Review status: criteria provided, single submitter. Criteria: ACMG Guidelines, 2015. Collection method: clinical testing. Allele origin: germline.
Comment: This variant is classified as likely benign based on ACMG/AMP sequence variant interpretation guidelines (Richards et al. 2015 PMID: 25741868, with internal and published modifications).

NM_006757.4(TNNT3):c.49+8T>C

Gene: TNNT3 (troponin T3, fast skeletal type; plus strand). Cytogenetic location: 11p15.5.
Variant type: single nucleotide variant.
Coding change: c.49+8T>C on transcript NM_006757.4 (MANE Select); 8 bases into the intron after coding-DNA position 49, T replaced by C.
Molecular consequence: intron variant.
Genome position (GRCh38, 1-based): chr11:1,923,580, T>C. VCF-style: chr11-1923580-T-C. GRCh37 (hg19) VCF-style: chr11-1944810-T-C.
Other names: c.49+8T>C (NM_001297646.2, NM_001367846.1, NM_001363561.2 and 10 more transcripts); c.-99+689T>C (NM_001367851.1); c.31+519T>C (NM_001367849.1); c.-117+689T>C (NM_001367852.1).
Identifiers: ClinVar variation 4988611 (VCV004988611.1).